The following is an entry in ClinVar:

ClinVar aggregate classification (germline): Benign. Review status: criteria provided, single submitter (1 of 4 stars). 2 submissions from 2 submitters: Benign (1). 1 of the submissions does not count toward it. Last evaluated 2026-01-22.

Conditions:
NUP133-related disorder. Also called: NUP133-related condition.

Allele frequency attached by ClinVar (database versions not stated): gnomAD exomes 0.00027; ExAC 0.00091; ESP Exome Variant Server 0.00315; 1000 Genomes Project 0.00439; 1000 Genomes Project 30x 0.00515.
gnomAD v4.1: 758 of 1,582,334 alleles (0.048%); highest among the groups gnomAD compares: African/African-American, 0.91%; 5 homozygotes.

Submissions (2):

Labcorp Genetics (formerly Invitae), Labcorp
Classification: Benign. Last evaluated: 2026-01-22. Review status: criteria provided, single submitter. Criteria: Invitae Variant Classification Sherloc (09022015). Collection method: clinical testing. Allele origin: germline.

PreventionGenetics, part of Exact Sciences
Classification: Benign for NUP133-related condition. Last evaluated: 2019-07-16. Review status: no assertion criteria provided. Collection method: clinical testing. Allele origin: germline. Not counted in ClinVar's aggregate classification.
Comment: This variant is classified as benign based on ACMG/AMP sequence variant interpretation guidelines (Richards et al. 2015 PMID: 25741868, with internal and published modifications).

NM_018230.3(NUP133):c.663T>A (p.Ile221=)

Gene: NUP133 (nucleoporin 133; minus strand). Cytogenetic location: 1q42.13.
Variant type: single nucleotide variant.
Coding change: c.663T>A on transcript NM_018230.3 (MANE Select); coding-DNA position 663, T replaced by A.
Protein change: p.Ile221=; no amino-acid change (isoleucine 221 retained).
Molecular consequence: synonymous variant.
Genome position (GRCh38, 1-based): chr1:229,498,292, A>T on the plus strand (T>A on the coding strand, the complement: NUP133 is on the minus strand). VCF-style: chr1-229498292-A-T. GRCh37 (hg19) VCF-style: chr1-229634039-A-T.
Other names: c.663T>A (NM_018230.2).
Identifiers: ClinVar variation 2044934 (VCV002044934.6), dbSNP rs146064281, ClinGen allele CA1443742.